The following is an entry in ClinVar:

ClinVar aggregate classification (germline): Uncertain significance (1 of 4 stars; one submission).

Submission:

GeneDx
Classification: Uncertain significance. Last evaluated: 2024-06-10. Review status: criteria provided, single submitter. Criteria: GeneDx Variant Classification Process June 2021. Collection method: clinical testing. Allele origin: germline. Affected: yes.
Comment: Not observed at significant frequency in large population cohorts (gnomAD); In silico analysis supports that this missense variant has a deleterious effect on protein structure/function; Has not been previously published as pathogenic or benign to our knowledge

NM_005257.6(GATA6):c.1207C>G (p.Arg403Gly)

Gene: GATA6 (GATA binding protein 6; plus strand). Cytogenetic location: 18q11.2.
Variant type: single nucleotide variant.
Coding change: c.1207C>G on transcript NM_005257.6 (MANE Select); coding-DNA position 1207, C replaced by G.
Protein change: p.Arg403Gly; replaces arginine 403 with glycine.
Molecular consequence: missense variant.
Genome position (GRCh38, 1-based): chr18:22,177,026, C>G. VCF-style: chr18-22177026-C-G. GRCh37 (hg19) VCF-style: chr18-19756987-C-G.
Other names: short protein forms R403G.
Identifiers: ClinVar variation 3390409 (VCV003390409.1).
Genomic context (GRCh38, chr18:22,177,026, plus strand): 5'-GACCTGTCCGAGAGCCGCGAGTGCGTGAACTGCGGCTCCATCCAGACGCCGCTGTGGCGG[C>G]GGGACGGCACCGGCCACTACCTGTGCAACGCCTGCGGGCTCTACAGCAAGATGAACGGCC-3'
Protein context (NP_005248.2, residues 393-413): CGSIQTPLWR[Arg403Gly]DGTGHYLCNA